The following is an entry in ClinVar:

ClinVar aggregate classification (germline): Uncertain significance. Review status: criteria provided, multiple submitters, no conflicts (2 of 4 stars). 7 submissions from 7 submitters: Uncertain significance (6). 1 of the submissions does not count toward it. Last evaluated 2026-01-13.

Conditions:
Hereditary cancer-predisposing syndrome. Also called: Tumor predisposition; Hereditary Cancer Syndrome; Hereditary neoplastic syndrome; Neoplastic Syndromes, Hereditary. Identifiers: Orphanet 140162, MedGen C0027672, MeSH D009386, MONDO:0015356.
Familial cancer of breast. Also called: hereditary breast carcinoma; BREAST CANCER, FAMILIAL; Hereditary breast cancer. Identifiers: Orphanet 227535, MedGen C0346153, MONDO:0016419, OMIM 114480. Disease mechanism: loss of function.
Ataxia-telangiectasia syndrome (AT). Also called: Ataxia telangiectasia (A-T); LOUIS-BAR SYNDROME; Cerebello-oculocutaneous telangiectasia; Immunodeficiency with ataxia telangiectasia; ATAXIA-TELANGIECTASIA, COMPLEMENTATION GROUP A; ATAXIA-TELANGIECTASIA, FRESNO VARIANT. Identifiers: Orphanet 100, MedGen C0004135, MONDO:0008840, OMIM 208900.

gnomAD v4.1: 1 of 1,613,342 alleles (0.000062%); no homozygotes.

Submissions (7):

Labcorp Genetics (formerly Invitae), Labcorp
Classification: Uncertain significance for Ataxia-telangiectasia syndrome. Last evaluated: 2026-01-13. Review status: criteria provided, single submitter. Criteria: Invitae Variant Classification Sherloc (09022015). Collection method: clinical testing. Allele origin: germline.
Comment: This sequence change replaces glutamic acid, which is acidic and polar, with glycine, which is neutral and non-polar, at codon 1199 of the ATM protein (p.Glu1199Gly). This variant is not present in population databases (gnomAD no frequency). This variant has not been reported in the literature in individuals affected with ATM-related conditions. ClinVar contains an entry for this variant (Variation ID: 234109). Invitae Evidence Modeling of protein sequence and biophysical properties (such as structural, functional, and spatial information, amino acid conservation, physicochemical variation, residue mobility, and thermodynamic stability) indicates that this missense variant is not expected to disrupt ATM protein function with a negative predictive value of 95%. In summary, the available evidence is currently insufficient to determine the role of this variant in disease. Therefore, it has been classified as a Variant of Uncertain Significance.

KCCC/NGS Laboratory, Kuwait Cancer Control Center
Classification: Uncertain significance for Familial cancer of breast. Last evaluated: 2025-08-04. Review status: criteria provided, single submitter. Criteria: ACMG Guidelines, 2015. Collection method: clinical testing. Allele origin: germline. Inheritance: Autosomal dominant inheritance. Affected: yes. Observed: 1 heterozygote.
Comment: This sequence change replaces glutamic acid, which is acidic and polar, with glycine, which is neutral and non‐polar, at codon 1199 of the ATM protein (p.Glu1199Gly). This variant is not present in population databases (gnomAD no frequency).

Ambry Genetics
Classification: Uncertain significance for Hereditary cancer-predisposing syndrome. Last evaluated: 2024-07-05. Review status: criteria provided, single submitter. Criteria: Ambry Variant Classification Scheme 2023. Collection method: clinical testing. Allele origin: germline.
Comment: The p.E1199G variant (also known as c.3596A>G), located in coding exon 24 of the ATM gene, results from an A to G substitution at nucleotide position 3596. The glutamic acid at codon 1199 is replaced by glycine, an amino acid with similar properties. This amino acid position is not well conserved in available vertebrate species. In addition, this alteration is predicted to be tolerated by in silico analysis. Since supporting evidence is limited at this time, the clinical significance of this alteration remains unclear.

Color Diagnostics, LLC DBA Color Health
Classification: Uncertain significance for Hereditary cancer-predisposing syndrome. Last evaluated: 2023-12-05. Review status: criteria provided, single submitter. Criteria: ACMG Guidelines, 2015. Collection method: clinical testing. Allele origin: germline.
Comment: This missense variant replaces glutamic acid with glycine at codon 1199 of the ATM protein. Computational prediction suggests that this variant may not impact protein structure and function (internally defined REVEL score threshold <= 0.5, PMID: 27666373). To our knowledge, functional studies have not been reported for this variant. This variant has not been reported in individuals affected with ATM-related disorders in the literature. This variant has not been identified in the general population by the Genome Aggregation Database (gnomAD). The available evidence is insufficient to determine the role of this variant in disease conclusively. Therefore, this variant is classified as a Variant of Uncertain Significance.

Fulgent Genetics
Classification: Uncertain significance for Familial cancer of breast; Ataxia-telangiectasia syndrome. Last evaluated: 2021-10-25. Review status: criteria provided, single submitter. Criteria: ACMG Guidelines, 2015. Collection method: clinical testing. Allele origin: unknown.

GeneDx
Classification: Uncertain significance. Last evaluated: 2021-06-29. Review status: criteria provided, single submitter. Criteria: GeneDx Variant Classification Process June 2021. Collection method: clinical testing. Allele origin: germline. Affected: yes.
Comment: Not observed at significant frequency in large population cohorts (Lek 2016); In silico analysis supports that this missense variant does not alter protein structure/function; Has not been previously published as pathogenic or benign to our knowledge; This variant is associated with the following publications: (PMID: 27535533)

Natera, Inc.
Classification: Uncertain significance for Ataxia-telangiectasia. Last evaluated: 2021-03-12. Review status: no assertion criteria provided. Collection method: clinical testing. Allele origin: germline. Not counted in ClinVar's aggregate classification.

NM_000051.4(ATM):c.3596A>G (p.Glu1199Gly)

Gene: ATM (ATM serine/threonine kinase; plus strand). Cytogenetic location: 11q22.3.
Variant type: single nucleotide variant.
Coding change: c.3596A>G on transcript NM_000051.4 (MANE Select); coding-DNA position 3596, A replaced by G.
Protein change: p.Glu1199Gly; replaces glutamic acid 1199 with glycine.
Molecular consequence: missense variant.
Genome position (GRCh38, 1-based): chr11:108,282,729, A>G. VCF-style: chr11-108282729-A-G. GRCh37 (hg19) VCF-style: chr11-108153456-A-G.
Other names: c.3596A>G, p.Glu1199Gly (NM_001351834.2); short protein forms E1199G.
Identifiers: ClinVar variation 234109 (VCV000234109.29), dbSNP rs876660855, ClinGen allele CA10579116.